The following is an entry in ClinVar:

NM_004415.4(DSP):c.70C>T (p.Pro24Ser)

Genes: DSP-AS1 (DSP antisense RNA 1; minus strand), DSP (desmoplakin; plus strand). Cytogenetic location: 6p24.3.
Variant type: single nucleotide variant.
Coding change: c.70C>T on transcript NM_004415.4 (MANE Select); coding-DNA position 70, C replaced by T.
Protein change: p.Pro24Ser; replaces proline 24 with serine.
Molecular consequence: missense variant.
Genome position (GRCh38, 1-based): chr6:7,541,985, C>T. VCF-style: chr6-7541985-C-T. GRCh37 (hg19) VCF-style: chr6-7542218-C-T.
Other names: c.70C>T, p.Pro24Ser (NM_001008844.3, NM_001319034.2, NM_001406591.1); short protein forms P24S.
Identifiers: ClinVar variation 4757453 (VCV004757453.2).

ClinVar aggregate classification (germline): Uncertain significance. Review status: criteria provided, multiple submitters, no conflicts (2 of 4 stars). 2 submissions from 2 submitters: Uncertain significance (2). Last evaluated 2025-10-18.

Conditions:
Arrhythmogenic cardiomyopathy with wooly hair and keratoderma. Also called: PALMOPLANTAR KERATODERMA WITH LEFT VENTRICULAR CARDIOMYOPATHY AND WOOLLY HAIR; Dilated cardiomyopathy with woolly hair and keratoderma; Arrhythmogenic cardiomyopathy with woolly hair and keratoderma; Carvajal syndrome. Identifiers: Orphanet 65282, MedGen C1854063, MONDO:0011581, OMIM 605676.
Arrhythmogenic right ventricular dysplasia 8 (ARVD8). Also called: Arrhythmogenic Right Ventricular Dysplasia/Cardiomyopathy 8; ARRHYTHMOGENIC RIGHT VENTRICULAR DYSPLASIA, FAMILIAL, 8; ARRHYTHMOGENIC RIGHT VENTRICULAR CARDIOMYOPATHY 8. Identifiers: MedGen C1843896, MONDO:0011831, OMIM 607450.
Cardiomyopathy (CMYO). Also called: Cardiomyopathies. Identifiers: Orphanet 167848, MedGen C0878544, MONDO:0004994, HP:0001638. Inheritance: Various modes of inheritance.

Submissions (2):

Labcorp Genetics (formerly Invitae), Labcorp
Classification: Uncertain significance for Arrhythmogenic cardiomyopathy with wooly hair and keratoderma; Arrhythmogenic right ventricular dysplasia 8. Last evaluated: 2025-10-18. Review status: criteria provided, single submitter. Criteria: Invitae Variant Classification Sherloc (09022015). Collection method: clinical testing. Allele origin: germline.
Comment: This sequence change replaces proline, which is neutral and non-polar, with serine, which is neutral and polar, at codon 24 of the DSP protein (p.Pro24Ser). This variant is not present in population databases (gnomAD no frequency). This variant has not been reported in the literature in individuals affected with DSP-related conditions. An algorithm developed to predict the effect of missense changes on protein structure and function (PolyPhen-2) suggests that this variant is likely to be tolerated. In summary, the available evidence is currently insufficient to determine the role of this variant in disease. Therefore, it has been classified as a Variant of Uncertain Significance.

Color Diagnostics, LLC DBA Color Health
Classification: Uncertain significance for Cardiomyopathy. Last evaluated: 2025-06-30. Review status: criteria provided, single submitter. Criteria: ACMG Guidelines, 2015. Collection method: clinical testing. Allele origin: germline.
Comment: This missense variant replaces proline with serine at codon 24 of the DSP protein. Computational prediction suggests that this variant may not impact protein structure and function. To our knowledge, functional studies have not been reported for this variant. This variant has not been reported in individuals affected with DSP-related disorders in the literature. This variant has not been identified in the general population by the Genome Aggregation Database (gnomAD). The available evidence is insufficient to determine the role of this variant in disease conclusively. Therefore, this variant is classified as a Variant of Uncertain Significance.